The following is an entry in ClinVar:

NM_144499.3(GNAT1):c.10G>C (p.Gly4Arg)

Gene: GNAT1 (G protein subunit alpha transducin 1; plus strand). Cytogenetic location: 3p21.31.
Variant type: single nucleotide variant.
Coding change: c.10G>C on transcript NM_144499.3 (MANE Select); coding-DNA position 10, G replaced by C.
Protein change: p.Gly4Arg; replaces glycine 4 with arginine.
Molecular consequence: missense variant.
Genome position (GRCh38, 1-based): chr3:50,191,735, G>C. VCF-style: chr3-50191735-G-C. GRCh37 (hg19) VCF-style: chr3-50229168-G-C.
Other names: c.10G>C, p.Gly4Arg (NM_000172.4); short protein forms G4R.
Identifiers: ClinVar variation 1368769 (VCV001368769.8), dbSNP rs1699413898, ClinGen allele CA352908606.

ClinVar aggregate classification (germline): Uncertain significance (1 of 4 stars; one submission).

Submission:

Labcorp Genetics (formerly Invitae), Labcorp
Classification: Uncertain significance. Last evaluated: 2021-05-18. Review status: criteria provided, single submitter. Criteria: Invitae Variant Classification Sherloc (09022015). Collection method: clinical testing. Allele origin: germline.
Comment: This variant is not present in population databases (ExAC no frequency). In summary, the available evidence is currently insufficient to determine the role of this variant in disease. Therefore, it has been classified as a Variant of Uncertain Significance. Algorithms developed to predict the effect of missense changes on protein structure and function are either unavailable or do not agree on the potential impact of this missense change (SIFT: "Tolerated"; PolyPhen-2: "Probably Damaging"; Align-GVGD: "Class C0"). This variant has not been reported in the literature in individuals with GNAT1-related conditions. This sequence change replaces glycine with arginine at codon 4 of the GNAT1 protein (p.Gly4Arg). The glycine residue is highly conserved and there is a moderate physicochemical difference between glycine and arginine.